The following is an entry in ClinVar:

NM_133261.3(GIPC3):c.*968A>G

Gene: GIPC3 (GIPC PDZ domain containing family member 3; plus strand). Cytogenetic location: 19p13.3.
Variant type: single nucleotide variant.
Coding change: c.*968A>G on transcript NM_133261.3 (MANE Select); 968 bases downstream of the stop codon, A replaced by G.
Molecular consequence: 3 prime UTR variant. On other transcripts: synonymous variant (1).
Genome position (GRCh38, 1-based): chr19:3,591,158, A>G. VCF-style: chr19-3591158-A-G. GRCh37 (hg19) VCF-style: chr19-3591156-A-G.
Other names: c.1920A>G, p.Glu640= (NM_001411144.1).
Identifiers: ClinVar variation 4873723 (VCV004873723.2).

ClinVar aggregate classification (germline): Likely benign (1 of 4 stars; one submission).

Submission:

CeGaT Center for Human Genetics Tuebingen
Classification: Likely benign. Last evaluated: 2026-05-01. Review status: criteria provided, single submitter. Criteria: CeGaT Center For Human Genetics Tuebingen Variant Classification Criteria Version 2. Collection method: clinical testing. Allele origin: germline. Affected: yes. Observed: 1 variant allele.
Comment: GIPC3: PM2:Supporting, BP4, BP7